The following is an entry in ClinVar:

ClinVar aggregate classification (germline): Conflicting classifications of pathogenicity. Review status: criteria provided, conflicting classifications (1 of 4 stars). 3 submissions from 3 submitters: Uncertain significance (2); Likely benign (1). Last evaluated 2025-08-21.

Allele frequency attached by ClinVar (database versions not stated): gnomAD exomes 0.00001; ExAC 0.00002; gnomAD 0.00005; ESP Exome Variant Server 0.00008; TOPMed 0.00009.
gnomAD v4.1: 27 of 1,613,158 alleles (0.0017%); highest among the groups gnomAD compares: African/African-American, 0.013%; no homozygotes.

Submissions (3):

Labcorp Genetics (formerly Invitae), Labcorp
Classification: Uncertain significance. Last evaluated: 2025-08-21. Review status: criteria provided, single submitter. Criteria: Invitae Variant Classification Sherloc (09022015). Collection method: clinical testing. Allele origin: germline.
Comment: This sequence change replaces arginine, which is basic and polar, with glutamine, which is neutral and polar, at codon 354 of the MICAL1 protein (p.Arg354Gln). This variant is present in population databases (rs146309804, gnomAD 0.02%). This variant has not been reported in the literature in individuals affected with MICAL1-related conditions. ClinVar contains an entry for this variant (Variation ID: 2148765). An algorithm developed to predict the effect of missense changes on protein structure and function (PolyPhen-2) suggests that this variant is likely to be tolerated. In summary, the available evidence is currently insufficient to determine the role of this variant in disease. Therefore, it has been classified as a Variant of Uncertain Significance.

Ambry Genetics
Classification: Uncertain significance. Last evaluated: 2025-02-19. Review status: criteria provided, single submitter. Criteria: Ambry Variant Classification Scheme 2023. Collection method: clinical testing. Allele origin: germline.

CeGaT Center for Human Genetics Tuebingen
Classification: Likely benign. Last evaluated: 2023-04-01. Review status: criteria provided, single submitter. Criteria: CeGaT Center For Human Genetics Tuebingen Variant Classification Criteria Version 2. Collection method: clinical testing. Allele origin: germline. Affected: yes. Observed: 1 variant allele.
Comment: MICAL1: BP4

NM_022765.4(MICAL1):c.1004G>A (p.Arg335Gln)

Gene: MICAL1 (microtubule associated monooxygenase, calponin and LIM domain containing 1; minus strand). Cytogenetic location: 6q21.
Variant type: single nucleotide variant.
Coding change: c.1004G>A on transcript NM_022765.4 (MANE Select); coding-DNA position 1004, G replaced by A.
Protein change: p.Arg335Gln; replaces arginine 335 with glutamine.
Molecular consequence: missense variant. On other transcripts: intron variant (1).
Genome position (GRCh38, 1-based): chr6:109,450,487, C>T on the plus strand (G>A on the coding strand, the complement: MICAL1 is on the minus strand). VCF-style: chr6-109450487-C-T. GRCh37 (hg19) VCF-style: chr6-109771690-C-T.
Other names: c.1061G>A, p.Arg354Gln (NM_001286613.2); c.934-402G>A (NM_001159291.2); c.1004G>A (NM_022765.3); short protein forms R335Q, R354Q.
Identifiers: ClinVar variation 2148765 (VCV002148765.29), dbSNP rs146309804, ClinGen allele CA3953526.
Genomic context (GRCh38, chr6:109,450,487, plus strand): 5'-GCATCCTGGGCAAACTCTAGTTTCCCGAGCTTGCCATGGGTGGCAAAGTCAGCAGCTGCC[C>T]GGGTAAAGCGCTGCAGAGCCTCGGGCACCACATTGGCACTGCCCAGCAGCCGATTGGTGT-3'
Protein context (NP_073602.3, residues 325-345): VVPEALQRFT[Arg335Gln]AAADFATHGK